The following is an entry in ClinVar:

ClinVar aggregate classification (germline): Uncertain significance (1 of 4 stars; one submission).

Conditions:
Long QT syndrome (LQTS). Identifiers: MedGen C0023976, MeSH D008133, MONDO:0002442. Disease mechanism: loss of function. Inheritance: Various modes of inheritance.

Submission:

Labcorp Genetics (formerly Invitae), Labcorp
Classification: Uncertain significance for Long QT syndrome. Last evaluated: 2024-05-22. Review status: criteria provided, single submitter. Criteria: Invitae Variant Classification Sherloc (09022015). Collection method: clinical testing. Allele origin: germline.
Comment: This sequence change replaces glycine, which is neutral and non-polar, with arginine, which is basic and polar, at codon 903 of the KCNH2 protein (p.Gly903Arg). This variant is not present in population databases (gnomAD no frequency). This missense change has been observed in individual(s) with clinical features of KCNH2-related conditions (PMID: 19716085, 27000522, 30847666, 31737537). ClinVar contains an entry for this variant (Variation ID: 960253). An algorithm developed to predict the effect of missense changes on protein structure and function (PolyPhen-2) suggests that this variant is likely to be tolerated. Experimental studies are conflicting or provide insufficient evidence to determine the effect of this variant on KCNH2 function (PMID: 31557540, 34002542). In summary, the available evidence is currently insufficient to determine the role of this variant in disease. Therefore, it has been classified as a Variant of Uncertain Significance.

Literature cited by the submitters: PubMed 19716085; PubMed 27000522; PubMed 30847666; PubMed 31737537; PubMed 31557540; PubMed 34002542.

NM_000238.4(KCNH2):c.2707G>C (p.Gly903Arg)

Gene: KCNH2 (potassium voltage-gated channel subfamily H member 2; minus strand). Cytogenetic location: 7q36.1.
Variant type: single nucleotide variant.
Coding change: c.2707G>C on transcript NM_000238.4 (MANE Select); coding-DNA position 2707, G replaced by C.
Protein change: p.Gly903Arg; replaces glycine 903 with arginine.
Molecular consequence: missense variant.
Genome position (GRCh38, 1-based): chr7:150,947,864, C>G on the plus strand (G>C on the coding strand, the complement: KCNH2 is on the minus strand). VCF-style: chr7-150947864-C-G. GRCh37 (hg19) VCF-style: chr7-150644952-C-G.
Other names: c.1687G>C, p.Gly563Arg (NM_172057.3); short protein forms G903R, G563R.
Identifiers: ClinVar variation 960253 (VCV000960253.9), dbSNP rs199473669, ClinGen allele CA369853545.